The following is an entry in ClinVar:

NM_003482.4(KMT2D):c.10835_10836delinsGA (p.Gln3612Arg)

Gene: KMT2D (lysine methyltransferase 2D; minus strand). Cytogenetic location: 12q13.12.
Variant type: Indel.
Coding change: c.10835_10836delinsGA on transcript NM_003482.4 (MANE Select); coding-DNA positions 10835 to 10836, AG replaced by GA.
Protein change: p.Gln3612Arg; replaces glutamine 3612 with arginine.
Molecular consequence: missense variant.
Genome position (GRCh38, 1-based): chr12:49,033,869-49,033,870, CT replaced by TC on the plus strand (AG replaced by GA on the coding strand, the reverse complement: KMT2D is on the minus strand). VCF-style: chr12-49033869-CT-TC. GRCh37 (hg19) VCF-style: chr12-49427652-CT-TC.
Other names: c.10835_10836delAGinsGA, p.Gln3612Arg (NM_003482.3); short protein forms Q3612R.
Identifiers: ClinVar variation 1704938 (VCV001704938.8), dbSNP rs2498366499, ClinGen allele CA2580086337.
Genomic context (GRCh38, chr12:49,033,869, plus strand): 5'-AGGGAGCTTGGTGAGCAGCCGGGGACTCTGGGAAGGGCTGAGAGCCAGCACAGCTGAGTG[CT>TC]GTTGCTGTTGTTGCTGCTGCTGCTGCTGTTGTTGCTGCTGCTTGTTCCGATATTCTGCCA-3'
Protein context (NP_003473.3, residues 3602-3622): QQQQQQQQQQ[Gln3612Arg]HSAVLALSPS

ClinVar aggregate classification (germline): Uncertain significance. Review status: criteria provided, multiple submitters, no conflicts (2 of 4 stars). 3 submissions from 3 submitters: Uncertain significance (3). Last evaluated 2025-04-17.

Conditions:
KMT2D-related disorder. Also called: KMT2D-Related Disorders.
Kabuki syndrome. Also called: NIIKAWA-KUROKI SYNDROME; Kabuki make-up syndrome. Identifiers: Orphanet 2322, MedGen C0796004, MONDO:0016512.

Submissions (3):

Labcorp Genetics (formerly Invitae), Labcorp
Classification: Uncertain significance for Kabuki syndrome. Last evaluated: 2025-04-17. Review status: criteria provided, single submitter. Criteria: Invitae Variant Classification Sherloc (09022015). Collection method: clinical testing. Allele origin: germline.
Comment: This sequence change replaces glutamine, which is neutral and polar, with arginine, which is basic and polar, at codon 3612 of the KMT2D protein (p.Gln3612Arg). The frequency data for this variant in the population databases is considered unreliable, as metrics indicate poor data quality at this position in the gnomAD database. This variant has not been reported in the literature in individuals affected with KMT2D-related conditions. ClinVar contains an entry for this variant (Variation ID: 1704938). An algorithm developed to predict the effect of missense changes on protein structure and function (PolyPhen-2) suggests that this variant is likely to be disruptive. In summary, the available evidence is currently insufficient to determine the role of this variant in disease. Therefore, it has been classified as a Variant of Uncertain Significance.

PreventionGenetics, part of Exact Sciences
Classification: Uncertain significance for KMT2D-related condition. Last evaluated: 2024-11-12. Review status: criteria provided, single submitter. Criteria: ACMG Guidelines, 2015. Collection method: clinical testing. Allele origin: germline.
Comment: The KMT2D c.10835_10836delinsGA variant is predicted to result in an in-frame deletion and insertion. To our knowledge, this variant has not been reported in the literature or in a large population database (gnomAD), indicating this variant is rare. At this time, the clinical significance of this variant is uncertain due to the absence of conclusive functional and genetic evidence.

GeneDx
Classification: Uncertain significance. Last evaluated: 2022-03-09. Review status: criteria provided, single submitter. Criteria: GeneDx Variant Classification Process June 2021. Collection method: clinical testing. Allele origin: germline. Affected: yes.
Comment: Not observed at significant frequency in large population cohorts (gnomAD); In silico analysis supports that this variant does not alter protein structure/function; Has not been previously published as pathogenic or benign to our knowledge